The following is an entry in ClinVar:

NM_000257.4(MYH7):c.1408-12T>C

Gene: MYH7 (myosin heavy chain 7; minus strand). Cytogenetic location: 14q11.2.
Variant type: single nucleotide variant.
Coding change: c.1408-12T>C on transcript NM_000257.4 (MANE Select); 12 bases into the intron before coding-DNA position 1408, T replaced by C.
Molecular consequence: intron variant.
Genome position (GRCh38, 1-based): chr14:23,428,682, A>G on the plus strand (T>C on the coding strand, the complement: MYH7 is on the minus strand). VCF-style: chr14-23428682-A-G. GRCh37 (hg19) VCF-style: chr14-23897891-A-G.
Other names: c.1408-12T>C (NM_001407004.1).
Identifiers: ClinVar variation 3069820 (VCV003069820.1), dbSNP rs533480894, ClinGen allele CA028423.

ClinVar aggregate classification (germline): Likely benign (1 of 4 stars; one submission).

Conditions:
Cardiomyopathy (CMYO). Also called: Cardiomyopathies. Identifiers: Orphanet 167848, MedGen C0878544, MONDO:0004994, HP:0001638. Inheritance: Various modes of inheritance.

Allele frequency attached by ClinVar (database versions not stated): gnomAD 0.00001; ExAC 0.00002; 1000 Genomes Project 30x 0.00016; 1000 Genomes Project 0.00020.
gnomAD v4.1: 2 of 1,614,034 alleles (0.00012%); highest among the groups gnomAD compares: African/African-American, 0.0027%; no homozygotes.

Submission:

All of Us Research Program, National Institutes of Health
Classification: Likely benign for Cardiomyopathy. Last evaluated: 2023-08-15. Review status: criteria provided, single submitter. Criteria: ACMG Guidelines, 2015. Collection method: clinical testing. Allele origin: germline. Inheritance: Autosomal dominant inheritance. Observed: 2 variant alleles, 2 heterozygotes.
Comment: This study involves interpretation of variants in research participants for the purpose of population health screening. Participant phenotype was not available at the time of variant classification. Additional details can be found in publication PMID: 35346344, PMCID: PMC8962531